The following is an entry in ClinVar:

NM_003859.3(DPM1):c.385C>A (p.Pro129Thr)

Gene: DPM1 (dolichyl-phosphate mannosyltransferase subunit 1, catalytic; minus strand). Cytogenetic location: 20q13.13.
Variant type: single nucleotide variant.
Coding change: c.385C>A on transcript NM_003859.3 (MANE Select); coding-DNA position 385, C replaced by A.
Protein change: p.Pro129Thr; replaces proline 129 with threonine.
Molecular consequence: missense variant. On other transcripts: non-coding transcript variant (1).
Genome position (GRCh38, 1-based): chr20:50,945,750, G>T on the plus strand (C>A on the coding strand, the complement: DPM1 is on the minus strand). VCF-style: chr20-50945750-G-T. GRCh37 (hg19) VCF-style: chr20-49562287-G-T.
Other names: p.Pro129Thr; c.385C>A, p.Pro129Thr (NM_001317034.1, NM_001317035.1, NM_001317036.1); c.385C>A (NM_003859.2); short protein forms P129T.
Identifiers: ClinVar variation 572012 (VCV000572012.10), dbSNP rs752831768, ClinGen allele CA9909125.

ClinVar aggregate classification (germline): Uncertain significance. Review status: criteria provided, multiple submitters, no conflicts (2 of 4 stars). 4 submissions from 4 submitters: Uncertain significance (4). Last evaluated 2025-07-14.

Conditions:
DPM1-related disorder. Also called: DPM1-related condition.
Inborn genetic diseases. Identifiers: MedGen C0950123, MeSH D030342.
Congenital disorder of glycosylation type 1E (CDG1E). Also called: CONGENITAL DISORDER OF GLYCOSYLATION, TYPE Ie; CDG Ie. Identifiers: Orphanet 79322, MedGen C1837396, MONDO:0012123, OMIM 608799.

Allele frequency attached by ClinVar (database versions not stated): gnomAD 0.00022; TOPMed 0.00022.
gnomAD v4.1: 76 of 1,581,968 alleles (0.0048%); highest among the groups gnomAD compares: African/African-American, 0.088%; 1 homozygote.

Submissions (4):

PreventionGenetics, part of Exact Sciences
Classification: Uncertain significance for DPM1-related condition. Last evaluated: 2025-07-14. Review status: criteria provided, single submitter. Criteria: ACMG Guidelines, 2015. Collection method: clinical testing. Allele origin: germline.
Comment: The DPM1 c.385C>A variant is predicted to result in the amino acid substitution p.Pro129Thr. To our knowledge, this variant has not been reported in the literature. This variant is reported in 0.10% of alleles in individuals of African descent in gnomAD. Although we suspect that this variant may be benign, at this time, the clinical significance of this variant is uncertain due to the absence of conclusive functional and genetic evidence.

Labcorp Genetics (formerly Invitae), Labcorp
Classification: Uncertain significance for Congenital disorder of glycosylation type 1E. Last evaluated: 2024-11-04. Review status: criteria provided, single submitter. Criteria: Invitae Variant Classification Sherloc (09022015). Collection method: clinical testing. Allele origin: germline.
Comment: This sequence change replaces proline, which is neutral and non-polar, with threonine, which is neutral and polar, at codon 129 of the DPM1 protein (p.Pro129Thr). This variant is present in population databases (rs752831768, gnomAD 0.1%). This variant has not been reported in the literature in individuals affected with DPM1-related conditions. ClinVar contains an entry for this variant (Variation ID: 572012). An algorithm developed to predict the effect of missense changes on protein structure and function (PolyPhen-2) suggests that this variant¬†is likely to be tolerated. Algorithms developed to predict the effect of sequence changes on RNA splicing suggest that this variant may disrupt the consensus splice site. In summary, the available evidence is currently insufficient to determine the role of this variant in disease. Therefore, it has been classified as a Variant of Uncertain Significance.

Mayo Clinic Laboratories, Mayo Clinic
Classification: Uncertain significance. Last evaluated: 2024-02-16. Review status: criteria provided, single submitter. Criteria: ACMG Guidelines, 2015. Collection method: clinical testing. Allele origin: germline. Observed: 1 variant allele.
Comment: BS1

Ambry Genetics
Classification: Uncertain significance for Inborn genetic diseases. Last evaluated: 2021-07-09. Review status: criteria provided, single submitter. Criteria: Ambry Variant Classification Scheme 2023. Collection method: clinical testing. Allele origin: germline.